The following is an entry in ClinVar:

ClinVar aggregate classification (germline): Uncertain significance. Review status: criteria provided, multiple submitters, no conflicts (2 of 4 stars). 2 submissions from 2 submitters: Uncertain significance (2). Last evaluated 2025-12-17.

Conditions:
NLRP12-related disorder. Also called: NLRP12-related condition; NLRP12-related conditions.
Familial cold autoinflammatory syndrome 2 (FCAS2). Identifiers: Orphanet 247868, MedGen C2673198, MONDO:0012724, OMIM 611762.

Allele frequency attached by ClinVar (database versions not stated): gnomAD 0.00007 and 0.00006; ExAC 0.00001; gnomAD exomes 0.00002; TOPMed 0.00004.
gnomAD v4.1: 54 of 1,614,086 alleles (0.0033%); highest among the groups gnomAD compares: African/African-American, 0.0053%; no homozygotes.

Submissions (2):

Labcorp Genetics (formerly Invitae), Labcorp
Classification: Uncertain significance for Familial cold autoinflammatory syndrome 2. Last evaluated: 2025-12-17. Review status: criteria provided, single submitter. Criteria: Invitae Variant Classification Sherloc (09022015). Collection method: clinical testing. Allele origin: germline.
Comment: This sequence change replaces arginine, which is basic and polar, with glycine, which is neutral and non-polar, at codon 971 of the NLRP12 protein (p.Arg971Gly). This variant is present in population databases (rs753280591, gnomAD 0.008%). This variant has not been reported in the literature in individuals affected with NLRP12-related conditions. ClinVar contains an entry for this variant (Variation ID: 644313). An algorithm developed to predict the effect of missense changes on protein structure and function (PolyPhen-2) suggests that this variant is likely to be tolerated. In summary, the available evidence is currently insufficient to determine the role of this variant in disease. Therefore, it has been classified as a Variant of Uncertain Significance.

PreventionGenetics, part of Exact Sciences
Classification: Uncertain significance for NLRP12-related condition. Last evaluated: 2024-12-16. Review status: criteria provided, single submitter. Criteria: ACMG Guidelines, 2015. Collection method: clinical testing. Allele origin: germline.
Comment: The NLRP12 c.2911A>G variant is predicted to result in the amino acid substitution p.Arg971Gly. To our knowledge, this variant has not been reported in the literature. This variant is reported in 0.0080% of alleles in individuals of European (Finnish) descent in gnomAD. At this time, the clinical significance of this variant is uncertain due to the absence of conclusive functional and genetic evidence.

NM_144687.4(NLRP12):c.2911A>G (p.Arg971Gly)

Gene: NLRP12 (NLR family pyrin domain containing 12; minus strand). Cytogenetic location: 19q13.42.
Variant type: single nucleotide variant.
Coding change: c.2911A>G on transcript NM_144687.4 (MANE Select); coding-DNA position 2911, A replaced by G.
Protein change: p.Arg971Gly; replaces arginine 971 with glycine.
Molecular consequence: missense variant. On other transcripts: intron variant (1).
Genome position (GRCh38, 1-based): chr19:53,798,259, T>C on the plus strand (A>G on the coding strand, the complement: NLRP12 is on the minus strand). VCF-style: chr19-53798259-T-C. GRCh37 (hg19) VCF-style: chr19-54301513-T-C.
Other names: c.2914A>G, p.Arg972Gly (NM_001277126.2); c.2757-2230A>G (NM_001277129.1); short protein forms R971G, R972G.
Identifiers: ClinVar variation 644313 (VCV000644313.6), dbSNP rs753280591, ClinGen allele CA9638870.